The following is an entry in ClinVar:

ClinVar aggregate classification (germline): Uncertain significance (1 of 4 stars; one submission).

Conditions:
Familial thoracic aortic aneurysm and aortic dissection (TAAD). Also called: Thoracic aortic aneurysms and dissections. Identifiers: Orphanet 91387, MedGen C4707243, MONDO:0019625.

gnomAD v4.1: 1 of 1,614,162 alleles (0.000062%); highest among the groups gnomAD compares: South Asian, 0.0011%; no homozygotes.

Submission:

Ambry Genetics
Classification: Uncertain significance for Familial thoracic aortic aneurysm and aortic dissection. Last evaluated: 2025-05-15. Review status: criteria provided, single submitter. Criteria: Ambry Variant Classification Scheme 2023. Collection method: clinical testing. Allele origin: germline.
Comment: The p.E1446D variant (also known as c.4338G>C), located in coding exon 23 of the MYLK gene, results from a G to C substitution at nucleotide position 4338. The glutamic acid at codon 1446 is replaced by aspartic acid, an amino acid with highly similar properties. This amino acid position is conserved. In addition, this alteration is predicted to be tolerated by in silico analysis. Based on the available evidence, the clinical significance of this variant remains unclear.

NM_053025.4(MYLK):c.4338G>C (p.Glu1446Asp)

Gene: MYLK (myosin light chain kinase; minus strand). Cytogenetic location: 3q21.1.
Variant type: single nucleotide variant.
Coding change: c.4338G>C on transcript NM_053025.4 (MANE Select); coding-DNA position 4338, G replaced by C.
Protein change: p.Glu1446Asp; replaces glutamic acid 1446 with aspartic acid.
Molecular consequence: missense variant.
Genome position (GRCh38, 1-based): chr3:123,649,048, C>G on the plus strand (G>C on the coding strand, the complement: MYLK is on the minus strand). VCF-style: chr3-123649048-C-G. GRCh37 (hg19) VCF-style: chr3-123367895-C-G.
Other names: c.3810G>C, p.Glu1270Asp (NM_001321309.2); c.4131G>C, p.Glu1377Asp (NM_053026.4, NM_053028.4); c.4338G>C, p.Glu1446Asp (NM_053027.4); short protein forms E1377D, E1270D, E1446D.
Identifiers: ClinVar variation 3915772 (VCV003915772.1).
Genomic context (GRCh38, chr3:123,649,048, plus strand): 5'-AATGTCGTAGAAGTCAGATACTTTTTGTTCAGTATTGATTGTCACTGTCCGGTAATCAAC[C>G]TCGGGCTCCTTCTCATCTGTGGGGCACAGGTCAGGGTTGGTGTGAGTCTCAGATGCCCCC-3'
Protein context (NP_444253.3, residues 1436-1456): EVSDDDEKEP[Glu1446Asp]VDYRTVTINT